The following is an entry in ClinVar:

NM_003221.4(TFAP2B):c.1289A>T (p.Lys430Met)

Gene: TFAP2B (transcription factor AP-2 beta; plus strand). Cytogenetic location: 6p12.3.
Variant type: single nucleotide variant.
Coding change: c.1289A>T on transcript NM_003221.4 (MANE Select); coding-DNA position 1289, A replaced by T.
Protein change: p.Lys430Met; replaces lysine 430 with methionine.
Molecular consequence: missense variant.
Genome position (GRCh38, 1-based): chr6:50,843,298, A>T. VCF-style: chr6-50843298-A-T. GRCh37 (hg19) VCF-style: chr6-50811011-A-T.
Other names: short protein forms K430M.
Identifiers: ClinVar variation 2038839 (VCV002038839.4), dbSNP rs1211701738, ClinGen allele CA364416257.

ClinVar aggregate classification (germline): Uncertain significance (1 of 4 stars; one submission).

Submission:

Labcorp Genetics (formerly Invitae), Labcorp
Classification: Uncertain significance. Last evaluated: 2021-12-09. Review status: criteria provided, single submitter. Criteria: Invitae Variant Classification Sherloc (09022015). Collection method: clinical testing. Allele origin: germline.
Comment: In summary, the available evidence is currently insufficient to determine the role of this variant in disease. Therefore, it has been classified as a Variant of Uncertain Significance. Algorithms developed to predict the effect of missense changes on protein structure and function (SIFT, PolyPhen-2, Align-GVGD) all suggest that this variant is likely to be disruptive. This variant has not been reported in the literature in individuals affected with TFAP2B-related conditions. This variant is not present in population databases (gnomAD no frequency). This sequence change replaces lysine, which is basic and polar, with methionine, which is neutral and non-polar, at codon 430 of the TFAP2B protein (p.Lys430Met).